The following is an entry in ClinVar:

ClinVar aggregate classification (germline): Uncertain significance (1 of 4 stars; one submission).

Allele frequency attached by ClinVar (database versions not stated): gnomAD exomes below 0.00001.
gnomAD v4.1: 4 of 1,613,890 alleles (0.00025%); highest among the groups gnomAD compares: Non-Finnish European, 0.00025%; no homozygotes.

Submission:

Labcorp Genetics (formerly Invitae), Labcorp
Classification: Uncertain significance. Last evaluated: 2022-03-04. Review status: criteria provided, single submitter. Criteria: Invitae Variant Classification Sherloc (09022015). Collection method: clinical testing. Allele origin: germline.
Comment: This sequence change replaces alanine, which is neutral and non-polar, with proline, which is neutral and non-polar, at codon 700 of the CNGB3 protein (p.Ala700Pro). This variant is not present in population databases (gnomAD no frequency). This variant has not been reported in the literature in individuals affected with CNGB3-related conditions. Advanced modeling of protein sequence and biophysical properties (such as structural, functional, and spatial information, amino acid conservation, physicochemical variation, residue mobility, and thermodynamic stability) performed at Invitae indicates that this missense variant is not expected to disrupt CNGB3 protein function. In summary, the available evidence is currently insufficient to determine the role of this variant in disease. Therefore, it has been classified as a Variant of Uncertain Significance.

NM_019098.5(CNGB3):c.2098G>C (p.Ala700Pro)

Gene: CNGB3 (cyclic nucleotide gated channel subunit beta 3; minus strand). Cytogenetic location: 8q21.3.
Variant type: single nucleotide variant.
Coding change: c.2098G>C on transcript NM_019098.5 (MANE Select); coding-DNA position 2098, G replaced by C.
Protein change: p.Ala700Pro; replaces alanine 700 with proline.
Molecular consequence: missense variant.
Genome position (GRCh38, 1-based): chr8:86,578,694, C>G on the plus strand (G>C on the coding strand, the complement: CNGB3 is on the minus strand). VCF-style: chr8-86578694-C-G. GRCh37 (hg19) VCF-style: chr8-87590922-C-G.
Other names: short protein forms A700P.
Identifiers: ClinVar variation 2186963 (VCV002186963.1), dbSNP rs1821703323, ClinGen allele CA371447173.